The following is an entry in ClinVar:

NM_002878.4(RAD51D):c.166G>C (p.Val56Leu)

Genes: RAD51D (RAD51 paralog D; minus strand), RAD51L3-RFFL (RAD51L3-RFFL readthrough; minus strand). Cytogenetic location: 17q12.
Variant type: single nucleotide variant.
Coding change: c.166G>C on transcript NM_002878.4 (MANE Select); coding-DNA position 166, G replaced by C.
Protein change: p.Val56Leu; replaces valine 56 with leucine.
Molecular consequence: missense variant. On other transcripts: intron variant (2).
Genome position (GRCh38, 1-based): chr17:35,118,598, C>G on the plus strand (G>C on the coding strand, the complement: RAD51D is on the minus strand). VCF-style: chr17-35118598-C-G. GRCh37 (hg19) VCF-style: chr17-33445617-C-G.
Other names: c.144+513G>C (NM_133629.3, NM_001142571.2); short protein forms V56L.
Identifiers: ClinVar variation 141843 (VCV000141843.15), dbSNP rs587782052, ClinGen allele CA166581.

ClinVar aggregate classification (germline): Uncertain significance. Review status: criteria provided, multiple submitters, no conflicts (2 of 4 stars). 2 submissions from 2 submitters: Uncertain significance (2). Last evaluated 2024-11-27.

Conditions:
Hereditary cancer-predisposing syndrome. Also called: Neoplastic Syndromes, Hereditary; Tumor predisposition; Hereditary Cancer Syndrome; Hereditary neoplastic syndrome. Identifiers: Orphanet 140162, MedGen C0027672, MeSH D009386, MONDO:0015356.
Breast-ovarian cancer, familial, susceptibility to, 4. Identifiers: Orphanet 145, MedGen C3280345, MONDO:0013669, OMIM 614291.

gnomAD v4.1: 1 of 1,614,214 alleles (0.000062%); highest among the groups gnomAD compares: Non-Finnish European, 0.000085%; no homozygotes.

Submissions (2):

Labcorp Genetics (formerly Invitae), Labcorp
Classification: Uncertain significance for Breast-ovarian cancer, familial, susceptibility to, 4. Last evaluated: 2024-11-27. Review status: criteria provided, single submitter. Criteria: Invitae Variant Classification Sherloc (09022015). Collection method: clinical testing. Allele origin: germline.
Comment: This sequence change replaces valine, which is neutral and non-polar, with leucine, which is neutral and non-polar, at codon 56 of the RAD51D protein (p.Val56Leu). This variant is not present in population databases (gnomAD no frequency). This variant has not been reported in the literature in individuals affected with RAD51D-related conditions. ClinVar contains an entry for this variant (Variation ID: 141843). Invitae Evidence Modeling of protein sequence and biophysical properties (such as structural, functional, and spatial information, amino acid conservation, physicochemical variation, residue mobility, and thermodynamic stability) indicates that this missense variant is not expected to disrupt RAD51D protein function with a negative predictive value of 80%. In summary, the available evidence is currently insufficient to determine the role of this variant in disease. Therefore, it has been classified as a Variant of Uncertain Significance.

Ambry Genetics
Classification: Uncertain significance for Hereditary cancer-predisposing syndrome. Last evaluated: 2024-08-11. Review status: criteria provided, single submitter. Criteria: Ambry Variant Classification Scheme 2023. Collection method: clinical testing. Allele origin: germline.
Comment: The p.V56L variant (also known as c.166G>C), located in coding exon 3 of the RAD51D gene, results from a G to C substitution at nucleotide position 166. The valine at codon 56 is replaced by leucine, an amino acid with highly similar properties. This amino acid position is highly conserved in available vertebrate species. In addition, this alteration is predicted to be tolerated by in silico analysis. Since supporting evidence is limited at this time, the clinical significance of this alteration remains unclear.